The following is an entry in ClinVar:

NM_001040142.2(SCN2A):c.721del (p.Ala240_Leu241insTer)

Gene: SCN2A (sodium voltage-gated channel alpha subunit 2; plus strand). Cytogenetic location: 2q24.3.
Variant type: Deletion.
Coding change: c.721del on transcript NM_001040142.2 (MANE Select); coding-DNA position 721, one base deleted (C; older notation c.721delC).
Protein change: p.Ala240_Leu241insTer.
Molecular consequence: nonsense.
Genome position (GRCh38, 1-based): chr2:165,310,346, C deleted; the last of 3 consecutive C bases (chr2:165,310,344-165,310,346); deleting any one gives the same sequence. VCF-style (leftmost placement, unchanged base first): chr2-165310343-GC-G. GRCh37 (hg19) VCF-style: chr2-166166853-GC-G.
Other names: c.721del, p.Ala240_Leu241insTer (NM_001040143.2, NM_001371246.1, NM_001371247.1 and 1 more transcripts).
Identifiers: ClinVar variation 1198013 (VCV001198013.2), dbSNP rs2105247197, ClinGen allele CA2499215153.
Genomic context (GRCh38, chr2:165,310,343, plus strand): 5'-AGTAGTATATTTAAATTCCCCCTTCTGATTTTGTTTGTAGGCCTGAAGACCATTGTGGGG[GC>G]CCTGATCCAGTCAGTGAAGAAGCTTTCTGATGTCATGATCTTGACTGTGTTCTGTCTAAG-3'

ClinVar aggregate classification (germline): Pathogenic (1 of 4 stars; one submission).

Submission:

GeneDx
Classification: Pathogenic. Last evaluated: 2019-10-28. Review status: criteria provided, single submitter. Criteria: GeneDx Variant Classification Process June 2021. Collection method: clinical testing. Allele origin: germline. Affected: yes.
Comment: Nonsense variant predicted to result in protein truncation or nonsense mediated decay in a gene for which loss-of-function is a known mechanism of disease; Not observed in large population cohorts (Lek et al., 2016); Has not been previously published as pathogenic or benign to our knowledge